The following is an entry in ClinVar:

ClinVar aggregate classification (germline): Uncertain significance (1 of 4 stars; one submission).

Conditions:
Adams-Oliver syndrome 5 (AOS5). Identifiers: Orphanet 974, MedGen C4014970, MONDO:0014459, OMIM 616028.

Submission:

Labcorp Genetics (formerly Invitae), Labcorp
Classification: Uncertain significance for Adams-Oliver syndrome 5. Last evaluated: 2025-11-05. Review status: criteria provided, single submitter. Criteria: Invitae Variant Classification Sherloc (09022015). Collection method: clinical testing. Allele origin: germline.
Comment: This variant, c.3488_3505dup, results in the insertion of 6 amino acid(s) of the NOTCH1 protein (p.Tyr1163_Ser1168dup), but otherwise preserves the integrity of the reading frame. This variant is not present in population databases (gnomAD no frequency). This variant has not been reported in the literature in individuals affected with NOTCH1-related conditions. In summary, the available evidence is currently insufficient to determine the role of this variant in disease. Therefore, it has been classified as a Variant of Uncertain Significance.

NM_017617.5(NOTCH1):c.3488_3505dup (p.Ser1168_Cys1169insTyrLeuGlyGlyTyrSer)

Gene: NOTCH1 (notch receptor 1; minus strand). Cytogenetic location: 9q34.3.
Variant type: Duplication.
Coding change: c.3488_3505dup on transcript NM_017617.5 (MANE Select); coding-DNA positions 3488 to 3505, 18 bases duplicated (ACCTGGGCGGCTACTCCT).
Protein change: p.Ser1168_Cys1169insTyrLeuGlyGlyTyrSer.
Molecular consequence: inframe insertion.
Genome position (GRCh38, 1-based): chr9:136,507,960-136,507,977, AGGAGTAGCCGCCCAGGT duplicated on the plus strand (ACCTGGGCGGCTACTCCT on the coding strand, the reverse complement: NOTCH1 is on the minus strand); duplicating any 18 consecutive bases within chr9:136,507,960-136,507,979 gives the same sequence; the c. name uses the placement nearest the transcript's 3' end. VCF-style (leftmost placement, unchanged base first): chr9-136507959-C-CAGGAGTAGCCGCCCAGGT. GRCh37 (hg19) VCF-style: chr9-139402411-C-CAGGAGTAGCCGCCCAGGT.
Identifiers: ClinVar variation 4728652 (VCV004728652.1).